The following is an entry in ClinVar:

NM_007194.4(CHEK2):c.1504G>A (p.Glu502Lys)

Gene: CHEK2 (checkpoint kinase 2; minus strand). Cytogenetic location: 22q12.1.
Variant type: single nucleotide variant.
Coding change: c.1504G>A on transcript NM_007194.4 (MANE Select); coding-DNA position 1504, G replaced by A.
Protein change: p.Glu502Lys; replaces glutamic acid 502 with lysine.
Molecular consequence: missense variant.
Genome position (GRCh38, 1-based): chr22:28,689,173, C>T on the plus strand (G>A on the coding strand, the complement: CHEK2 is on the minus strand). VCF-style: chr22-28689173-C-T. GRCh37 (hg19) VCF-style: chr22-29085161-C-T.
Other names: c.1633G>A, p.Glu545Lys (NM_001005735.3); c.841G>A, p.Glu281Lys (NM_001257387.3); c.1303G>A, p.Glu435Lys (NM_001349956.3); c.1417G>A, p.Glu473Lys (NM_145862.3); short protein forms E281K, E435K, E473K, E502K, E545K.
Identifiers: ClinVar variation 819406 (VCV000819406.10), dbSNP rs1601702068, ClinGen allele CA411092413.
Genomic context (GRCh38, chr22:28,689,173, plus strand): 5'-TGATCATCAGGAATACGAATACCTGGGCTAGAACCTGGGGTAGAGCTGTGGATTCATTTT[C>T]CTCAGACAGAAGATCTTGAAACTTTCTCTTCATGTCTTCATCCTGTGAGGGAATTAAAAA-3'
Protein context (NP_009125.1, residues 492-512): KRKFQDLLSE[Glu502Lys]NESTALPQVL

ClinVar aggregate classification (germline): Uncertain significance. Review status: criteria provided, multiple submitters, no conflicts (2 of 4 stars). 4 submissions from 4 submitters: Uncertain significance (4). Last evaluated 2025-07-25.

Conditions:
Familial cancer of breast. Also called: BREAST CANCER, FAMILIAL; hereditary breast carcinoma; Hereditary breast cancer. Identifiers: Orphanet 227535, MedGen C0346153, MONDO:0016419, OMIM 114480. Disease mechanism: loss of function.
Hereditary cancer-predisposing syndrome. Also called: Neoplastic Syndromes, Hereditary; Tumor predisposition; Hereditary Cancer Syndrome; Hereditary neoplastic syndrome. Identifiers: Orphanet 140162, MedGen C0027672, MeSH D009386, MONDO:0015356.

Submissions (4):

GeneDx
Classification: Uncertain significance. Last evaluated: 2025-07-25. Review status: criteria provided, single submitter. Criteria: GeneDx Variant Classification Process June 2021. Collection method: clinical testing. Allele origin: germline. Affected: yes.
Comment: Not observed at significant frequency in large population cohorts (gnomAD); In silico analysis suggests that this missense variant does not alter protein structure/function; Has not been previously published as pathogenic or benign to our knowledge

Ambry Genetics
Classification: Uncertain significance for Hereditary cancer-predisposing syndrome. Last evaluated: 2024-11-06. Review status: criteria provided, single submitter. Criteria: Ambry Variant Classification Scheme 2023. Collection method: clinical testing. Allele origin: germline.
Comment: The p.E502K variant (also known as c.1504G>A), located in coding exon 13 of the CHEK2 gene, results from a G to A substitution at nucleotide position 1504. The glutamic acid at codon 502 is replaced by lysine, an amino acid with similar properties. This amino acid position is highly conserved in available vertebrate species. In addition, this alteration is predicted to be tolerated by in silico analysis. Based on the available evidence, the clinical significance of this variant remains unclear.

Labcorp Genetics (formerly Invitae), Labcorp
Classification: Uncertain significance for Familial cancer of breast. Last evaluated: 2022-11-06. Review status: criteria provided, single submitter. Criteria: Invitae Variant Classification Sherloc (09022015). Collection method: clinical testing. Allele origin: germline.
Comment: In summary, the available evidence is currently insufficient to determine the role of this variant in disease. Therefore, it has been classified as a Variant of Uncertain Significance. Algorithms developed to predict the effect of missense changes on protein structure and function (SIFT, PolyPhen-2, Align-GVGD) all suggest that this variant is likely to be tolerated. ClinVar contains an entry for this variant (Variation ID: 819406). This variant has not been reported in the literature in individuals affected with CHEK2-related conditions. This variant is not present in population databases (gnomAD no frequency). This sequence change replaces glutamic acid, which is acidic and polar, with lysine, which is basic and polar, at codon 502 of the CHEK2 protein (p.Glu502Lys).

Blueprint Genetics
Classification: Uncertain significance. Last evaluated: 2022-02-10. Review status: criteria provided, single submitter. Criteria: ACMG Guidelines, 2015. Collection method: clinical testing. Allele origin: germline.